The following is an entry in ClinVar:

ClinVar aggregate classification (germline): Benign/Likely benign. Review status: criteria provided, multiple submitters, no conflicts (2 of 4 stars). 2 submissions from 2 submitters: Benign (1); Likely benign (1). Last evaluated 2025-01-27.

Conditions:
Lynch syndrome 4 (LYNCH4). Also called: Colorectal cancer, hereditary nonpolyposis, type 4; Hereditary non-polyposis colorectal cancer, type 4. Identifiers: Orphanet 144, MedGen C1838333, MONDO:0013699, OMIM 614337. Disease mechanism: loss of function.
Hereditary nonpolyposis colorectal neoplasms. Identifiers: MedGen C0009405, MeSH D003123.

Submissions (2):

Myriad Genetics, Inc.
Classification: Benign for Lynch syndrome 4. Last evaluated: 2025-01-27. Review status: criteria provided, single submitter. Criteria: Myriad Autosomal Dominant, Autosomal Recessive and X-Linked Classification Criteria (2023). Collection method: clinical testing. Allele origin: unknown.
Comment: This variant is considered benign. This variant is a silent/synonymous amino acid change and it is not expected to impact splicing.

Labcorp Genetics (formerly Invitae), Labcorp
Classification: Likely benign for Hereditary nonpolyposis colorectal neoplasms. Last evaluated: 2022-03-05. Review status: criteria provided, single submitter. Criteria: Invitae Variant Classification Sherloc (09022015). Collection method: clinical testing. Allele origin: germline.

NM_000535.7(PMS2):c.501T>C (p.Pro167=)

Gene: PMS2 (PMS1 homolog 2, mismatch repair system component; minus strand). Cytogenetic location: 7p22.1.
Variant type: single nucleotide variant.
Coding change: c.501T>C on transcript NM_000535.7 (MANE Select); coding-DNA position 501, T replaced by C.
Protein change: p.Pro167=; no amino-acid change (proline 167 retained).
Molecular consequence: synonymous variant. On other transcripts: 5 prime UTR variant (2), non-coding transcript variant (1).
Genome position (GRCh38, 1-based): chr7:6,002,489, A>G on the plus strand (T>C on the coding strand, the complement: PMS2 is on the minus strand). VCF-style: chr7-6002489-A-G. GRCh37 (hg19) VCF-style: chr7-6042120-A-G.
Other names: c.96T>C, p.Pro32= (NM_001322003.2, NM_001322004.2, NM_001322005.2 and 3 more transcripts); c.501T>C, p.Pro167= (NM_001322006.2, NM_001322014.2); c.183T>C, p.Pro61= (NM_001322007.2, NM_001322008.2); c.-384T>C (NM_001322011.2, NM_001322012.2); c.192T>C, p.Pro64= (NM_001322015.2).
Identifiers: ClinVar variation 455726 (VCV000455726.9), dbSNP rs1554303891, ClinGen allele CA453647617.